The following is an entry in ClinVar:

NM_001009944.3(PKD1):c.5081A>C (p.His1694Pro)

Gene: PKD1 (polycystin 1, transient receptor potential channel interacting; minus strand). Cytogenetic location: 16p13.3.
Variant type: single nucleotide variant.
Coding change: c.5081A>C on transcript NM_001009944.3 (MANE Select); coding-DNA position 5081, A replaced by C.
Protein change: p.His1694Pro; replaces histidine 1694 with proline.
Molecular consequence: missense variant.
Genome position (GRCh38, 1-based): chr16:2,110,086, T>G on the plus strand (A>C on the coding strand, the complement: PKD1 is on the minus strand). VCF-style: chr16-2110086-T-G. GRCh37 (hg19) VCF-style: chr16-2160087-T-G.
Other names: c.5081A>C, p.His1694Pro (NM_000296.4); short protein forms H1694P.
Identifiers: ClinVar variation 4997020 (VCV004997020.1).

ClinVar aggregate classification (germline): Uncertain significance (1 of 4 stars; one submission).

Conditions:
PKD1-related disorder. Also called: PKD1-related condition.

Submission:

PreventionGenetics, part of Exact Sciences
Classification: Uncertain significance for PKD1-related condition. Last evaluated: 2025-03-20. Review status: criteria provided, single submitter. Criteria: ACMG Guidelines, 2015. Collection method: clinical testing. Allele origin: germline.
Comment: The PKD1 c.5081A>C variant is predicted to result in the amino acid substitution p.His1694Pro. To our knowledge, this variant has not been reported in the literature or in a large population database (gnomAD), indicating this variant is rare. At this time, the clinical significance of this variant is uncertain due to the absence of conclusive functional and genetic evidence.